The following is an entry in ClinVar:

NM_182914.3(SYNE2):c.12657G>A (p.Ala4219=)

Gene: SYNE2 (spectrin repeat containing nuclear envelope protein 2; plus strand). Cytogenetic location: 14q23.2.
Variant type: single nucleotide variant.
Coding change: c.12657G>A on transcript NM_182914.3 (MANE Select); coding-DNA position 12657, G replaced by A.
Protein change: p.Ala4219=; no amino-acid change (alanine 4219 retained).
Molecular consequence: synonymous variant.
Genome position (GRCh38, 1-based): chr14:64,113,388, G>A. VCF-style: chr14-64113388-G-A. GRCh37 (hg19) VCF-style: chr14-64580106-G-A.
Other names: c.12657G>A, p.Ala4219= (NM_015180.6).
Identifiers: ClinVar variation 1621749 (VCV001621749.32), dbSNP rs76668149, ClinGen allele CA7222232.

ClinVar aggregate classification (germline): Likely benign. Review status: criteria provided, multiple submitters, no conflicts (2 of 4 stars). 2 submissions from 2 submitters: Likely benign (2). Last evaluated 2025-05-07.

Conditions:
Emery-Dreifuss muscular dystrophy 5, autosomal dominant (EDMD5). Also called: EMERY-DREIFUSS MUSCULAR DYSTROPHY 5. Identifiers: Orphanet 261, MedGen C2751805, MONDO:0013072, OMIM 612999.

Allele frequency attached by ClinVar (database versions not stated): gnomAD 0.00003 and 0.00004; TOPMed 0.00011; ESP Exome Variant Server 0.00015; gnomAD exomes 0.00016; 1000 Genomes Project 0.00020; ExAC 0.00021; 1000 Genomes Project 30x 0.00031.
gnomAD v4.1: 127 of 1,614,104 alleles (0.0079%); highest among the groups gnomAD compares: East Asian, 0.04%; no homozygotes.

Submissions (2):

Labcorp Genetics (formerly Invitae), Labcorp
Classification: Likely benign for Emery-Dreifuss muscular dystrophy 5, autosomal dominant. Last evaluated: 2025-05-07. Review status: criteria provided, single submitter. Criteria: Invitae Variant Classification Sherloc (09022015). Collection method: clinical testing. Allele origin: germline.

CeGaT Center for Human Genetics Tuebingen
Classification: Likely benign. Last evaluated: 2022-09-01. Review status: criteria provided, single submitter. Criteria: CeGaT Center For Human Genetics Tuebingen Variant Classification Criteria Version 2. Collection method: clinical testing. Allele origin: germline. Affected: yes. Observed: 1 variant allele.
Comment: SYNE2: BP4, BP7